The following is an entry in ClinVar:

NM_018972.4(GDAP1):c.11G>A (p.Arg4Lys)

Genes: GDAP1 (ganglioside induced differentiation associated protein 1; plus strand), LOC130000622 (ATAC-STARR-seq lymphoblastoid active region 27542; plus strand). Cytogenetic location: 8q21.11.
Variant type: single nucleotide variant.
Coding change: c.11G>A on transcript NM_018972.4 (MANE Select); coding-DNA position 11, G replaced by A.
Protein change: p.Arg4Lys; replaces arginine 4 with lysine.
Molecular consequence: missense variant. On other transcripts: 5 prime UTR variant (3).
Genome position (GRCh38, 1-based): chr8:74,350,472, G>A. VCF-style: chr8-74350472-G-A. GRCh37 (hg19) VCF-style: chr8-75262707-G-A.
Other names: c.-172G>A (NM_001362929.2); c.11G>A, p.Arg4Lys (NM_001362930.2, NM_001362931.2); c.-64G>A (NM_001040875.4); c.-124G>A (NM_001362932.2); short protein forms R4K.
Identifiers: ClinVar variation 2759780 (VCV002759780.4), dbSNP rs2536722572, ClinGen allele CA371498981.

ClinVar aggregate classification (germline): Uncertain significance. Review status: criteria provided, multiple submitters, no conflicts (2 of 4 stars). 2 submissions from 2 submitters: Uncertain significance (2). Last evaluated 2023-12-14.

Conditions:
Charcot-Marie-Tooth disease type 4A. Also called: Charcot-Marie-Tooth disease, demyelinating, autosomal recessive, type 4a. Identifiers: Orphanet 99948, MedGen C1859198, MONDO:0008961, OMIM 214400.

Submissions (2):

GeneDx
Classification: Uncertain significance. Last evaluated: 2023-12-14. Review status: criteria provided, single submitter. Criteria: GeneDx Variant Classification Process June 2021. Collection method: clinical testing. Allele origin: germline. Affected: yes.
Comment: Not observed at significant frequency in large population cohorts (gnomAD); In silico analysis supports that this missense variant does not alter protein structure/function; Has not been previously published as pathogenic or benign to our knowledge

Labcorp Genetics (formerly Invitae), Labcorp
Classification: Uncertain significance for Charcot-Marie-Tooth disease type 4A. Last evaluated: 2023-09-10. Review status: criteria provided, single submitter. Criteria: Invitae Variant Classification Sherloc (09022015). Collection method: clinical testing. Allele origin: germline.
Comment: This sequence change replaces arginine, which is basic and polar, with lysine, which is basic and polar, at codon 4 of the GDAP1 protein (p.Arg4Lys). This variant is not present in population databases (gnomAD no frequency). This variant has not been reported in the literature in individuals affected with GDAP1-related conditions. Algorithms developed to predict the effect of missense changes on protein structure and function output the following: SIFT: "Not Available"; PolyPhen-2: "Benign"; Align-GVGD: "Not Available". The lysine amino acid residue is found in multiple mammalian species, which suggests that this missense change does not adversely affect protein function. In summary, the available evidence is currently insufficient to determine the role of this variant in disease. Therefore, it has been classified as a Variant of Uncertain Significance.